The following is an entry in ClinVar:

NM_001324445.2(ADAT1):c.674C>G (p.Pro225Arg)

Gene: ADAT1 (adenosine deaminase tRNA specific 1; minus strand). Cytogenetic location: 16q23.1.
Variant type: single nucleotide variant.
Coding change: c.674C>G on transcript NM_001324445.2 (MANE Select); coding-DNA position 674, C replaced by G.
Protein change: p.Pro225Arg; replaces proline 225 with arginine.
Molecular consequence: missense variant.
Genome position (GRCh38, 1-based): chr16:75,612,612, G>C on the plus strand (C>G on the coding strand, the complement: ADAT1 is on the minus strand). VCF-style: chr16-75612612-G-C. GRCh37 (hg19) VCF-style: chr16-75646510-G-C.
Other names: c.227C>G, p.Pro76Arg (NM_001324444.2, NM_001324446.2, NM_001324450.2 and 1 more transcripts); c.674C>G, p.Pro225Arg (NM_001324448.2, NM_001324449.2, NM_012091.5); c.413C>G, p.Pro138Arg (NM_001324452.2, NM_001324453.2); short protein forms P225R, P138R, P76R.
Identifiers: ClinVar variation 161660 (VCV000161660.2), dbSNP rs193920811, ClinGen allele CA174548.

ClinVar aggregate classification (germline): Uncertain significance (0 of 4 stars; one submission).

Conditions:
Prostate cancer. Also called: Malignant tumor of prostate. Identifiers: Orphanet 1331, MedGen C0376358, MONDO:0008315, HP:0012125.

gnomAD v4.1: 1 of 1,614,036 alleles (0.000062%); no homozygotes.

Submission:

Science for Life laboratory,  Karolinska Institutet
Classification: Uncertain significance for Malignant tumor of prostate. Review status: no assertion criteria provided. Collection method: not provided. Allele origin: somatic.
Comment: TumorID:SWE-12B
ClinVar note: Converted during submission from Unknown to Uncertain significance.